The following is an entry in ClinVar:

ClinVar aggregate classification (germline): Uncertain significance (1 of 4 stars; one submission).

Conditions:
Isolated microphthalmia 5. Also called: Posterior Microphthalmia with Retinitis Pigmentosa, Foveoschisis, and Optic Disc Drusen. Identifiers: Orphanet 251279, MedGen C1970236, MONDO:0012605, OMIM 611040.

Submission:

Labcorp Genetics (formerly Invitae), Labcorp
Classification: Uncertain significance for Isolated microphthalmia 5. Last evaluated: 2022-11-08. Review status: criteria provided, single submitter. Criteria: Invitae Variant Classification Sherloc (09022015). Collection method: clinical testing. Allele origin: germline.
Comment: In summary, the available evidence is currently insufficient to determine the role of this variant in disease. Therefore, it has been classified as a Variant of Uncertain Significance. Advanced modeling of protein sequence and biophysical properties (such as structural, functional, and spatial information, amino acid conservation, physicochemical variation, residue mobility, and thermodynamic stability) performed at Invitae indicates that this missense variant is not expected to disrupt MFRP protein function. This variant has not been reported in the literature in individuals affected with MFRP-related conditions. This variant is not present in population databases (gnomAD no frequency). This sequence change replaces glutamic acid, which is acidic and polar, with alanine, which is neutral and non-polar, at codon 495 of the MFRP protein (p.Glu495Ala).

NM_031433.4(MFRP):c.1484A>C (p.Glu495Ala)

Genes: C1QTNF5 (C1q and TNF related 5; minus strand), MFRP (membrane frizzled-related protein; minus strand). Cytogenetic location: 11q23.3.
Variant type: single nucleotide variant.
Coding change: c.1484A>C on transcript NM_031433.4 (MANE Select); coding-DNA position 1484, A replaced by C.
Protein change: p.Glu495Ala; replaces glutamic acid 495 with alanine.
Molecular consequence: missense variant. On other transcripts: 5 prime UTR variant (1).
Genome position (GRCh38, 1-based): chr11:119,341,888, T>G on the plus strand (A>C on the coding strand, the complement: MFRP is on the minus strand). VCF-style: chr11-119341888-T-G. GRCh37 (hg19) VCF-style: chr11-119212598-T-G.
Other names: c.-1153A>C (NM_015645.5); short protein forms E495A.
Identifiers: ClinVar variation 2134124 (VCV002134124.4), dbSNP rs2497080056, ClinGen allele CA382972386.